The following is an entry in ClinVar:

NM_002485.5(NBN):c.208G>A (p.Asp70Asn)

Gene: NBN (nibrin; minus strand). Cytogenetic location: 8q21.3.
Variant type: single nucleotide variant.
Coding change: c.208G>A on transcript NM_002485.5 (MANE Select); coding-DNA position 208, G replaced by A.
Protein change: p.Asp70Asn; replaces aspartic acid 70 with asparagine.
Molecular consequence: missense variant. On other transcripts: 5 prime UTR variant (1).
Genome position (GRCh38, 1-based): chr8:89,981,487, C>T on the plus strand (G>A on the coding strand, the complement: NBN is on the minus strand). VCF-style: chr8-89981487-C-T. GRCh37 (hg19) VCF-style: chr8-90993715-C-T.
Other names: c.-39G>A (NM_001024688.3); short protein forms D70N.
Identifiers: ClinVar variation 658332 (VCV000658332.12), dbSNP rs560337591, ClinGen allele CA4803018.

ClinVar aggregate classification (germline): Uncertain significance. Review status: criteria provided, multiple submitters, no conflicts (2 of 4 stars). 2 submissions from 2 submitters: Uncertain significance (2). Last evaluated 2026-01-05.

Conditions:
Hereditary cancer-predisposing syndrome. Also called: Neoplastic Syndromes, Hereditary; Hereditary neoplastic syndrome; Hereditary Cancer Syndrome; Tumor predisposition. Identifiers: Orphanet 140162, MedGen C0027672, MeSH D009386, MONDO:0015356.
Microcephaly, normal intelligence and immunodeficiency (NBS). Also called: BERLIN BREAKAGE SYNDROME; Immunodeficiency, microcephaly with normal intelligence; SEEMANOVA SYNDROME II; Ataxia telangiectasia variant V1; Nijmegen breakage syndrome; IMMUNODEFICIENCY, MICROCEPHALY, AND CHROMOSOMAL INSTABILITY. Identifiers: Orphanet 647, MedGen C0398791, MONDO:0009623, OMIM 251260.

Allele frequency attached by ClinVar (database versions not stated): gnomAD 0.00001; 1000 Genomes Project 30x 0.00016; 1000 Genomes Project 0.00020.
gnomAD v4.1: 1 of 1,613,418 alleles (0.000062%); highest among the groups gnomAD compares: African/African-American, 0.0013%; no homozygotes.

Submissions (2):

Labcorp Genetics (formerly Invitae), Labcorp
Classification: Uncertain significance for Microcephaly, normal intelligence and immunodeficiency. Last evaluated: 2026-01-05. Review status: criteria provided, single submitter. Criteria: Invitae Variant Classification Sherloc (09022015). Collection method: clinical testing. Allele origin: germline.
Comment: This sequence change replaces aspartic acid, which is acidic and polar, with asparagine, which is neutral and polar, at codon 70 of the NBN protein (p.Asp70Asn). This variant is present in population databases (rs560337591, gnomAD 0.007%). This variant has not been reported in the literature in individuals affected with NBN-related conditions. ClinVar contains an entry for this variant (Variation ID: 658332). An algorithm developed to predict the effect of missense changes on protein structure and function (PolyPhen-2) suggests that this variant is likely to be disruptive. In summary, the available evidence is currently insufficient to determine the role of this variant in disease. Therefore, it has been classified as a Variant of Uncertain Significance.

Sema4
Classification: Uncertain significance for Hereditary cancer-predisposing syndrome. Last evaluated: 2021-10-12. Review status: criteria provided, single submitter. Criteria: Sema4 Curation Guidelines. Collection method: curation. Allele origin: germline.
Comment: To the best of our knowledge, the NBN c.208G>A (p.D70N) variant has not been reported in individuals with NBN-related disease. This variant was observed in 1/16246 chromosomes in the African population according to the Genome Aggregation Database (PMID: 32461654), and has been reported in ClinVar (Variation ID: 658332). In silico tools suggest the impact of the variant on protein function is deleterious, though these predictions have not been confirmed by functional studies. Based on the current evidence available, this variant is interpreted as a variant of uncertain significance.